The following is an entry in ClinVar:

ClinVar aggregate classification (germline): Uncertain significance. Review status: criteria provided, multiple submitters, no conflicts (2 of 4 stars). 2 submissions from 2 submitters: Uncertain significance (2). Last evaluated 2026-09-01.

Allele frequency attached by ClinVar (database versions not stated): gnomAD exomes below 0.00001.
gnomAD v4.1: 2 of 1,614,160 alleles (0.00012%); highest among the groups gnomAD compares: African/African-American, 0.0013%; no homozygotes.

Submissions (2):

CeGaT Center for Human Genetics Tuebingen
Classification: Uncertain significance. Last evaluated: 2026-09-01. Review status: criteria provided, single submitter. Criteria: CeGaT Center For Human Genetics Tuebingen Variant Classification Criteria Version 2. Collection method: clinical testing. Allele origin: germline. Affected: yes. Observed: 1 variant allele.

Labcorp Genetics (formerly Invitae), Labcorp
Classification: Uncertain significance. Last evaluated: 2025-08-20. Review status: criteria provided, single submitter. Criteria: Invitae Variant Classification Sherloc (09022015). Collection method: clinical testing. Allele origin: germline.
Comment: This sequence change replaces glycine, which is neutral and non-polar, with arginine, which is basic and polar, at codon 1573 of the TCF20 protein (p.Gly1573Arg). This variant is present in population databases (no rsID available, gnomAD 0.0009%). This variant has not been reported in the literature in individuals affected with TCF20-related conditions. ClinVar contains an entry for this variant (Variation ID: 2816847). An algorithm developed to predict the effect of missense changes on protein structure and function (PolyPhen-2) suggests that this variant is likely to be disruptive. In summary, the available evidence is currently insufficient to determine the role of this variant in disease. Therefore, it has been classified as a Variant of Uncertain Significance.

NM_001378418.1(TCF20):c.4717G>A (p.Gly1573Arg)

Gene: TCF20 (transcription factor 20; minus strand). Cytogenetic location: 22q13.2.
Variant type: single nucleotide variant.
Coding change: c.4717G>A on transcript NM_001378418.1 (MANE Select); coding-DNA position 4717, G replaced by A.
Protein change: p.Gly1573Arg; replaces glycine 1573 with arginine.
Molecular consequence: missense variant.
Genome position (GRCh38, 1-based): chr22:42,210,589, C>T on the plus strand (G>A on the coding strand, the complement: TCF20 is on the minus strand). VCF-style: chr22-42210589-C-T. GRCh37 (hg19) VCF-style: chr22-42606595-C-T.
Other names: c.4717G>A, p.Gly1573Arg (NM_005650.4, NM_181492.3); short protein forms G1573R.
Identifiers: ClinVar variation 2816847 (VCV002816847.4), dbSNP rs1259750470, ClinGen allele CA411783588.
Genomic context (GRCh38, chr22:42,210,589, plus strand): 5'-GCTGGGCCCCAGGCTTCCTTCTCTCCCTCCTTTGCCTCTGTTTTTTTGGCTTTGGCTCTC[C>T]ATCTGCAGAACCTTCTGGTATCTGTGGGGGCTGAGGGGGTGGAGGCGGTGGCTGCTGCTG-3'
Protein context (NP_001365347.1, residues 1563-1583): PPQIPEGSAD[Gly1573Arg]EPKPKKQRQR